The following is an entry in ClinVar:

ClinVar aggregate classification (germline): Uncertain significance (1 of 4 stars; one submission).

gnomAD v4.1: 165 of 1,614,124 alleles (0.01%); highest among the groups gnomAD compares: East Asian, 0.31%; no homozygotes.

Submission:

GeneDx
Classification: Uncertain significance. Last evaluated: 2025-04-30. Review status: criteria provided, single submitter. Criteria: GeneDx Variant Classification Process June 2021. Collection method: clinical testing. Allele origin: germline. Affected: yes.
Comment: Reported heterozygous in two patients with mild type 1 Von Willebrand disease (PMID: 28536718); Reported heterozygous in a patient with IgA nephropathy and arteriolar microangiopathic lesions (PMID: 35685318); In silico analysis indicates that this missense variant does not alter protein structure/function; This variant is associated with the following publications: (PMID: 21429375, 28536718, 37647632, 35685318)

NM_000552.5(VWF):c.6860G>A (p.Arg2287Gln)

Gene: VWF (von Willebrand factor; minus strand). Cytogenetic location: 12p13.31.
Variant type: single nucleotide variant.
Coding change: c.6860G>A on transcript NM_000552.5 (MANE Select); coding-DNA position 6860, G replaced by A.
Protein change: p.Arg2287Gln; replaces arginine 2287 with glutamine.
Molecular consequence: missense variant.
Genome position (GRCh38, 1-based): chr12:5,985,604, C>T on the plus strand (G>A on the coding strand, the complement: VWF is on the minus strand). VCF-style: chr12-5985604-C-T. GRCh37 (hg19) VCF-style: chr12-6094770-C-T.
Other names: short protein forms R2287Q.
Identifiers: ClinVar variation 4528240 (VCV004528240.1).